The following is an entry in ClinVar:

ClinVar aggregate classification (germline): Uncertain significance (1 of 4 stars; one submission).

Allele frequency attached by ClinVar (database versions not stated): gnomAD exomes below 0.00001; ExAC 0.00001.
gnomAD v4.1: 16 of 1,613,950 alleles (0.00099%); highest among the groups gnomAD compares: South Asian, 0.0066%; no homozygotes.

Submission:

Labcorp Genetics (formerly Invitae), Labcorp
Classification: Uncertain significance. Last evaluated: 2024-01-11. Review status: criteria provided, single submitter. Criteria: Invitae Variant Classification Sherloc (09022015). Collection method: clinical testing. Allele origin: germline.
Comment: This sequence change replaces valine, which is neutral and non-polar, with methionine, which is neutral and non-polar, at codon 133 of the GSN protein (p.Val133Met). This variant is present in population databases (rs752400851, gnomAD 0.003%). This variant has not been reported in the literature in individuals affected with GSN-related conditions. ClinVar contains an entry for this variant (Variation ID: 1369340). An algorithm developed to predict the effect of missense changes on protein structure and function (PolyPhen-2) suggests that this variant is likely to be disruptive. In summary, the available evidence is currently insufficient to determine the role of this variant in disease. Therefore, it has been classified as a Variant of Uncertain Significance.

NM_198252.3(GSN):c.244G>A (p.Val82Met)

Gene: GSN (gelsolin; plus strand). Cytogenetic location: 9q33.2.
Variant type: single nucleotide variant.
Coding change: c.244G>A on transcript NM_198252.3 (MANE Select); coding-DNA position 244, G replaced by A.
Protein change: p.Val82Met; replaces valine 82 with methionine.
Molecular consequence: missense variant. On other transcripts: 5 prime UTR variant (1).
Genome position (GRCh38, 1-based): chr9:121,302,958, G>A. VCF-style: chr9-121302958-G-A. GRCh37 (hg19) VCF-style: chr9-124065236-G-A.
Other names: c.397G>A, p.Val133Met (NM_000177.5); c.244G>A, p.Val82Met (NM_001127662.2, NM_001127664.2, NM_001127665.2 and 10 more transcripts); c.352G>A, p.Val118Met (NM_001127663.2); c.277G>A, p.Val93Met (NM_001127666.2, NM_001127667.2, NM_001353063.2 and 13 more transcripts); c.295G>A, p.Val99Met (NM_001258029.2); c.268G>A, p.Val90Met (NM_001258030.2); c.316G>A, p.Val106Met (NM_001353076.2); c.-411G>A (NM_001353078.2); short protein forms V99M, V106M, V90M, V118M, V93M, V133M, V82M.
Identifiers: ClinVar variation 1369340 (VCV001369340.8), dbSNP rs752400851, ClinGen allele CA5220817.